The following is an entry in ClinVar:

ClinVar aggregate classification (germline): Pathogenic (1 of 4 stars; one submission).

Submission:

Labcorp Genetics (formerly Invitae), Labcorp
Classification: Pathogenic. Last evaluated: 2022-05-28. Review status: criteria provided, single submitter. Criteria: Invitae Variant Classification Sherloc (09022015). Collection method: clinical testing. Allele origin: germline.
Comment: For these reasons, this variant has been classified as Pathogenic. This variant has not been reported in the literature in individuals affected with SPTB-related conditions. This variant is not present in population databases (gnomAD no frequency). This sequence change creates a premature translational stop signal (p.Cys73*) in the SPTB gene. It is expected to result in an absent or disrupted protein product. Loss-of-function variants in SPTB are known to be pathogenic (PMID: 1391962, 1498324, 8844207, 26830532, 27292444).

Literature cited by the submitters: PubMed 1391962; PubMed 1498324; PubMed 8844207; PubMed 26830532; PubMed 27292444.

NM_001355436.2(SPTB):c.219C>A (p.Cys73Ter)

Gene: SPTB (spectrin beta, erythrocytic; minus strand). Cytogenetic location: 14q23.3.
Variant type: single nucleotide variant.
Coding change: c.219C>A on transcript NM_001355436.2 (MANE Select); coding-DNA position 219, C replaced by A.
Protein change: p.Cys73Ter; replaces cysteine 73 with a stop codon.
Molecular consequence: nonsense.
Genome position (GRCh38, 1-based): chr14:64,805,020, G>T on the plus strand (C>A on the coding strand, the complement: SPTB is on the minus strand). VCF-style: chr14-64805020-G-T. GRCh37 (hg19) VCF-style: chr14-65271738-G-T.
Other names: c.219C>A, p.Cys73Ter (NM_001024858.4, NM_001355437.2); short protein forms C73*.
Identifiers: ClinVar variation 1999970 (VCV001999970.4), dbSNP rs2503226970, ClinGen allele CA390036070.